The following is an entry in ClinVar:

ClinVar aggregate classification (germline): Pathogenic (1 of 4 stars; one submission).

Conditions:
Hereditary breast ovarian cancer syndrome. Also called: Hereditary breast and ovarian cancer syndrome; Hereditary breast and ovarian cancer syndrome (HBOC); Hereditary breast and/or ovarian cancer syndrome; Hereditary breast and ovarian cancer; Breast and ovarian cancer; BRCA1- and BRCA2-Associated Hereditary Breast and Ovarian Cancer. Identifiers: Orphanet 145, MedGen C0677776, MeSH D061325, MONDO:0003582. Disease mechanism: loss of function.

Submission:

Labcorp Genetics (formerly Invitae), Labcorp
Classification: Pathogenic for Hereditary breast ovarian cancer syndrome. Last evaluated: 2024-04-23. Review status: criteria provided, single submitter. Criteria: Invitae Variant Classification Sherloc (09022015). Collection method: clinical testing. Allele origin: germline.
Comment: This sequence change creates a premature translational stop signal (p.Cys1853Leufs*10) in the BRCA2 gene. It is expected to result in an absent or disrupted protein product. Loss-of-function variants in BRCA2 are known to be pathogenic (PMID: 20104584). This variant is not present in population databases (gnomAD no frequency). This variant has not been reported in the literature in individuals affected with BRCA2-related conditions. For these reasons, this variant has been classified as Pathogenic.

Literature cited by the submitters: PubMed 20104584.

NM_000059.4(BRCA2):c.5558del (p.Cys1853fs)

Gene: BRCA2 (BRCA2 DNA repair associated; plus strand). Cytogenetic location: 13q13.1.
Variant type: Deletion.
Coding change: c.5558del on transcript NM_000059.4 (MANE Select); coding-DNA position 5558, one base deleted (G; older notation c.5558delG).
Protein change: p.Cys1853fs; shifts the reading frame from cysteine 1853.
Molecular consequence: frameshift variant. On other transcripts: non-coding transcript variant (1), intron variant (2).
Genome position (GRCh38, 1-based): chr13:32,339,913, G deleted. VCF-style (leftmost placement, unchanged base first): chr13-32339912-TG-T. GRCh37 (hg19) VCF-style: chr13-32914049-TG-T.
Other names: c.5558del, p.Cys1853fs (NM_001406719.1, NM_001406720.1); c.1910-4645del (NM_001406721.1); c.425-4645del (NM_001406722.1); short protein forms C1853fs.
Identifiers: ClinVar variation 2709436 (VCV002709436.3), dbSNP rs2548531122, ClinGen allele CA2697551801.